The following is an entry in ClinVar:

ClinVar aggregate classification (germline): Uncertain significance (1 of 4 stars; one submission).

Submission:

GeneDx
Classification: Uncertain significance. Last evaluated: 2026-03-31. Review status: criteria provided, single submitter. Criteria: GeneDx Variant Classification Process June 2021. Collection method: clinical testing. Allele origin: germline.
Comment: Not observed at significant frequency in large population cohorts (gnomAD); In silico analysis suggests that this missense variant does not alter protein structure/function; Has not been previously published as pathogenic or benign to our knowledge

NM_152713.5(STT3A):c.1756A>G (p.Thr586Ala)

Gene: STT3A (STT3 oligosaccharyltransferase complex catalytic subunit A; plus strand). Cytogenetic location: 11q24.2.
Variant type: single nucleotide variant.
Coding change: c.1756A>G on transcript NM_152713.5 (MANE Select); coding-DNA position 1756, A replaced by G.
Protein change: p.Thr586Ala; replaces threonine 586 with alanine.
Molecular consequence: missense variant.
Genome position (GRCh38, 1-based): chr11:125,614,408, A>G. VCF-style: chr11-125614408-A-G. GRCh37 (hg19) VCF-style: chr11-125484303-A-G.
Other names: c.1756A>G, p.Thr586Ala (NM_001278503.2); c.1480A>G, p.Thr494Ala (NM_001278504.2); short protein forms T494A, T586A.
Identifiers: ClinVar variation 5018022 (VCV005018022.1).